The following is an entry in ClinVar:

ClinVar aggregate classification (germline): Likely pathogenic (1 of 4 stars; one submission).

Conditions:
TNXB-related disorder. Also called: TNXB-related condition.

gnomAD v4.1: 1 of 1,612,572 alleles (0.000062%); highest among the groups gnomAD compares: Non-Finnish European, 0.000085%; no homozygotes.

Submission:

PreventionGenetics, part of Exact Sciences
Classification: Likely pathogenic for TNXB-related condition. Last evaluated: 2026-09-02. Review status: criteria provided, single submitter. Criteria: ACMG Guidelines, 2015. Collection method: clinical testing. Allele origin: germline.
Comment: The TNXB c.9536C>A variant is predicted to result in premature protein termination (p.Ser3179*). To our knowledge, this variant has not been reported in the literature or in a large population database (gnomAD), indicating this variant is rare. Nonsense variants in TNXB are expected to be pathogenic. This variant is interpreted as likely pathogenic.

NM_001365276.2(TNXB):c.9542C>A (p.Ser3181Ter)

Gene: TNXB (tenascin XB; minus strand). Cytogenetic location: 6p21.33.
Variant type: single nucleotide variant.
Coding change: c.9542C>A on transcript NM_001365276.2 (MANE Select); coding-DNA position 9542, C replaced by A.
Protein change: p.Ser3181Ter; replaces serine 3181 with a stop codon.
Molecular consequence: nonsense.
Genome position (GRCh38, 1-based): chr6:32,049,485, G>T on the plus strand (C>A on the coding strand, the complement: TNXB is on the minus strand). VCF-style: chr6-32049485-G-T. GRCh37 (hg19) VCF-style: chr6-32017262-G-T.
Other names: c.10283C>A, p.Ser3428Ter (NM_001428335.1); c.9536C>A, p.Ser3179Ter (NM_019105.8); short protein forms S3179*, S3181*, S3428*.
Identifiers: ClinVar variation 4992849 (VCV004992849.1).